The following is an entry in ClinVar:

NM_000088.4(COL1A1):c.1582C>A (p.Arg528Ser)

Gene: COL1A1 (collagen type I alpha 1 chain; minus strand). Cytogenetic location: 17q21.33.
Variant type: single nucleotide variant.
Coding change: c.1582C>A on transcript NM_000088.4 (MANE Select); coding-DNA position 1582, C replaced by A.
Protein change: p.Arg528Ser; replaces arginine 528 with serine.
Molecular consequence: missense variant.
Genome position (GRCh38, 1-based): chr17:50,194,381, G>T on the plus strand (C>A on the coding strand, the complement: COL1A1 is on the minus strand). VCF-style: chr17-50194381-G-T. GRCh37 (hg19) VCF-style: chr17-48271742-G-T.
Other names: short protein forms R528S.
Identifiers: ClinVar variation 2864950 (VCV002864950.3), dbSNP rs2509218992, ClinGen allele CA400216523.
Genomic context (GRCh38, chr17:50,194,381, plus strand): 5'-AAGCCAGGCTGAAAGCCTGGGGCCTCACCTTGGCACCAGGCAGACCAGCTTCACCGGGAC[G>T]ACCAGCTTCACCAGGAGATCCTTTGGGGCCAGCAGGGCCAGGAGAACCACGTTCACCAGC-3'
Protein context (NP_000079.2, residues 518-538): GPKGSPGEAG[Arg528Ser]PGEAGLPGAK

ClinVar aggregate classification (germline): Uncertain significance (1 of 4 stars; one submission).

Conditions:
Osteogenesis imperfecta type I (OI1). Also called: Lobstein's Disease; Classic Non-deforming Osteogenesis Imperfecta with Blue Sclerae; Lobstein disease; OI, TYPE I; OSTEOGENESIS IMPERFECTA TARDA; OSTEOGENESIS IMPERFECTA WITH BLUE SCLERAE. Identifiers: Orphanet 216796, Orphanet 666, MedGen C0023931, MONDO:0008146, OMIM 166200. Disease mechanism: loss of function.

Submission:

Labcorp Genetics (formerly Invitae), Labcorp
Classification: Uncertain significance for Osteogenesis imperfecta type I. Last evaluated: 2023-08-08. Review status: criteria provided, single submitter. Criteria: Invitae Variant Classification Sherloc (09022015). Collection method: clinical testing. Allele origin: germline.
Comment: This sequence change replaces arginine, which is basic and polar, with serine, which is neutral and polar, at codon 528 of the COL1A1 protein (p.Arg528Ser). This variant is not present in population databases (gnomAD no frequency). This variant has not been reported in the literature in individuals affected with COL1A1-related conditions. Advanced modeling of protein sequence and biophysical properties (such as structural, functional, and spatial information, amino acid conservation, physicochemical variation, residue mobility, and thermodynamic stability) has been performed at Invitae for this missense variant, however the output from this modeling did not meet the statistical confidence thresholds required to predict the impact of this variant on COL1A1 protein function. In summary, the available evidence is currently insufficient to determine the role of this variant in disease. Therefore, it has been classified as a Variant of Uncertain Significance.